The following is an entry in ClinVar:

NM_001184.4(ATR):c.4483G>A (p.Ala1495Thr)

Gene: ATR (ATR serine/threonine kinase; minus strand). Cytogenetic location: 3q23.
Variant type: single nucleotide variant.
Coding change: c.4483G>A on transcript NM_001184.4 (MANE Select); coding-DNA position 4483, G replaced by A.
Protein change: p.Ala1495Thr; replaces alanine 1495 with threonine.
Molecular consequence: missense variant.
Genome position (GRCh38, 1-based): chr3:142,515,415, C>T on the plus strand (G>A on the coding strand, the complement: ATR is on the minus strand). VCF-style: chr3-142515415-C-T. GRCh37 (hg19) VCF-style: chr3-142234257-C-T.
Other names: c.4291G>A, p.Ala1431Thr (NM_001354579.2); short protein forms A1495T, A1431T.
Identifiers: ClinVar variation 3462392 (VCV003462392.1).
Genomic context (GRCh38, chr3:142,515,415, plus strand): 5'-GAATTTCCATTCAGTTAACAAACTGAACAGGGTTTCTTACCTTTGTAATAAGATAACCTG[C>T]CCAAGATGCTGACCATTCTGCAAAGTTACTACCCAATTTACTTAAGTAAATTGGCTTCTT-3'
Protein context (NP_001175.2, residues 1485-1505): SNFAEWSASW[Ala1495Thr]GYLITKVRHD

ClinVar aggregate classification (germline): Uncertain significance (1 of 4 stars; one submission).

Conditions:
Inborn genetic diseases. Identifiers: MedGen C0950123, MeSH D030342.

Submission:

Ambry Genetics
Classification: Uncertain significance for Inborn genetic diseases. Last evaluated: 2024-07-06. Review status: criteria provided, single submitter. Criteria: Ambry Variant Classification Scheme 2023. Collection method: clinical testing. Allele origin: germline.
Comment: The p.A1495T variant (also known as c.4483G>A), located in coding exon 25 of the ATR gene, results from a G to A substitution at nucleotide position 4483. The alanine at codon 1495 is replaced by threonine, an amino acid with similar properties. This amino acid position is conserved. In addition, the in silico prediction for this alteration is inconclusive. Based on the available evidence, the clinical significance of this variant remains unclear.